The following is an entry in ClinVar:

NM_000059.4(BRCA2):c.6411T>A (p.Asn2137Lys)

Gene: BRCA2 (BRCA2 DNA repair associated; plus strand). Cytogenetic location: 13q13.1.
Variant type: single nucleotide variant.
Coding change: c.6411T>A on transcript NM_000059.4 (MANE Select); coding-DNA position 6411, T replaced by A.
Protein change: p.Asn2137Lys; replaces asparagine 2137 with lysine.
Molecular consequence: missense variant.
Genome position (GRCh38, 1-based): chr13:32,340,766, T>A. VCF-style: chr13-32340766-T-A. GRCh37 (hg19) VCF-style: chr13-32914903-T-A.
Other names: short protein forms N2137K.
Identifiers: ClinVar variation 236893 (VCV000236893.10), dbSNP rs878853597, ClinGen allele CA10583120.
Genomic context (GRCh38, chr13:32,340,766, plus strand): 5'-TGTAAACTCAGAAATGGAAAAAACCTGCAGTAAAGAATTTAAATTATCAAATAACTTAAA[T>A]GTTGAAGGTGGTTCTTCAGAAAATAATCACTCTATTAAAGTTTCTCCATATCTCTCTCAA-3'
Protein context (NP_000050.3, residues 2127-2147): SKEFKLSNNL[Asn2137Lys]VEGGSSENNH

ClinVar aggregate classification (germline): Conflicting classifications of pathogenicity. Review status: criteria provided, conflicting classifications (1 of 4 stars). 5 submissions from 5 submitters: Uncertain significance (4); Likely benign (1). Last evaluated 2024-09-30.

Conditions:
Hereditary breast ovarian cancer syndrome. Also called: BRCA1- and BRCA2-Associated Hereditary Breast and Ovarian Cancer; Hereditary breast and ovarian cancer syndrome; Hereditary breast and ovarian cancer; Hereditary breast and ovarian cancer syndrome (HBOC); Breast and ovarian cancer; Hereditary breast and/or ovarian cancer syndrome. Identifiers: Orphanet 145, MedGen C0677776, MeSH D061325, MONDO:0003582. Disease mechanism: loss of function.
Hereditary cancer-predisposing syndrome. Also called: Hereditary neoplastic syndrome; Hereditary Cancer Syndrome; Neoplastic Syndromes, Hereditary; Tumor predisposition. Identifiers: Orphanet 140162, MedGen C0027672, MeSH D009386, MONDO:0015356.

Allele frequency attached by ClinVar (database versions not stated): gnomAD exomes below 0.00001.
gnomAD v4.1: 3 of 1,598,564 alleles (0.00019%); highest among the groups gnomAD compares: Non-Finnish European, 0.00026%; no homozygotes.

Submissions (5):

Ambry Genetics
Classification: Uncertain significance for Hereditary cancer-predisposing syndrome. Last evaluated: 2024-09-30. Review status: criteria provided, single submitter. Criteria: Ambry Variant Classification Scheme 2023. Collection method: clinical testing. Allele origin: germline.
Comment: The p.N2137K variant (also known as c.6411T>A), located in coding exon 10 of the BRCA2 gene, results from a T to A substitution at nucleotide position 6411. The asparagine at codon 2137 is replaced by lysine, an amino acid with similar properties. This amino acid position is not well conserved in available vertebrate species. In addition, this alteration is predicted to be tolerated by in silico analysis. Since supporting evidence is limited at this time, the clinical significance of this alteration remains unclear.

Color Diagnostics, LLC DBA Color Health
Classification: Uncertain significance for Hereditary cancer-predisposing syndrome. Last evaluated: 2024-07-01. Review status: criteria provided, single submitter. Criteria: ACMG Guidelines, 2015. Collection method: clinical testing. Allele origin: germline.
Comment: This missense variant replaces asparagine with lysine at codon 2137 of the BRCA2 protein. Computational prediction suggests that this variant may not impact protein structure and function. To our knowledge, functional studies have not been reported for this variant. This variant has not been reported in individuals affected with BRCA2-related disorders in the literature. This variant has not been identified in the general population by the Genome Aggregation Database (gnomAD). The available evidence is insufficient to determine the role of this variant in disease conclusively. Therefore, this variant is classified as a Variant of Uncertain Significance.

University of Washington Department of Laboratory Medicine, University of Washington
Classification: Likely benign for Hereditary cancer-predisposing syndrome. Last evaluated: 2023-03-23. Review status: criteria provided, single submitter. Criteria: Dines et al. (Genet Med. 2020). Collection method: curation. Allele origin: germline.
Comment: Missense variant in a coldspot region where missense variants are very unlikely to be pathogenic (PMID:31911673).

BRCA2 exon 11 coldspot. Reclassification based on statistical prior probability.

Labcorp Genetics (formerly Invitae), Labcorp
Classification: Uncertain significance for Hereditary breast ovarian cancer syndrome. Last evaluated: 2021-08-31. Review status: criteria provided, single submitter. Criteria: Invitae Variant Classification Sherloc (09022015). Collection method: clinical testing. Allele origin: germline.
Comment: This sequence change replaces asparagine with lysine at codon 2137 of the BRCA2 protein (p.Asn2137Lys). The asparagine residue is weakly conserved and there is a moderate physicochemical difference between asparagine and lysine. This variant is not present in population databases (ExAC no frequency). This variant has not been reported in the literature in individuals affected with BRCA2-related conditions. ClinVar contains an entry for this variant (Variation ID: 236893). Advanced modeling of protein sequence and biophysical properties (such as structural, functional, and spatial information, amino acid conservation, physicochemical variation, residue mobility, and thermodynamic stability) performed at Invitae indicates that this missense variant is not expected to disrupt BRCA2 protein function. In summary, the available evidence is currently insufficient to determine the role of this variant in disease. Therefore, it has been classified as a Variant of Uncertain Significance.

Women's Health and Genetics/Laboratory Corporation of America, LabCorp
Classification: Uncertain significance. Last evaluated: 2019-08-16. Review status: criteria provided, single submitter. Criteria: LabCorp Variant Classification Summary - May 2015. Collection method: clinical testing. Allele origin: germline.
Comment: Variant summary: BRCA2 c.6411T>A (p.Asn2137Lys) results in a non-conservative amino acid change in the encoded protein sequence. Four of five in-silico tools predict a benign effect of the variant on protein function. The variant was absent in 234900 control chromosomes. The available data on variant occurrences in the general population are insufficient to allow any conclusion about variant significance. To our knowledge, no occurrence of c.6411T>A in individuals affected with Hereditary Breast and Ovarian Cancer and no experimental evidence demonstrating its impact on protein function have been reported. One clinical diagnostic laboratory has submitted clinical-significance assessments for this variant to ClinVar after 2014 without evidence for independent evaluation. One laboratory classified the variant as uncertain significance. Based on the evidence outlined above, the variant was classified as uncertain significance.